The following is an entry in ClinVar:

NM_020754.4(ARHGAP31):c.1099A>G (p.Thr367Ala)

Gene: ARHGAP31 (Rho GTPase activating protein 31; plus strand). Cytogenetic location: 3q13.33.
Variant type: single nucleotide variant.
Coding change: c.1099A>G on transcript NM_020754.4 (MANE Select); coding-DNA position 1099, A replaced by G.
Protein change: p.Thr367Ala; replaces threonine 367 with alanine.
Molecular consequence: missense variant.
Genome position (GRCh38, 1-based): chr3:119,401,851, A>G. VCF-style: chr3-119401851-A-G. GRCh37 (hg19) VCF-style: chr3-119120698-A-G.
Other names: short protein forms T367A.
Identifiers: ClinVar variation 2965881 (VCV002965881.3), dbSNP rs202189188, ClinGen allele CA2553762.
Genomic context (GRCh38, chr3:119,401,851, plus strand): 5'-TGCTGACCATACACTTGTTCCTTTTTACTAGGAAAAGAAACCAAGGGAAATTTCAATCGA[A>G]CAGTTACCACCGGTGGATTTTTCATTCCAGCAACAAAGATGCACTCCACCGGCACCGGCA-3'
Protein context (NP_065805.2, residues 357-377): GKETKGNFNR[Thr367Ala]VTTGGFFIPA

ClinVar aggregate classification (germline): Uncertain significance (1 of 4 stars; one submission).

Allele frequency attached by ClinVar (database versions not stated): ExAC 0.00003; gnomAD 0.00003; TOPMed 0.00003; gnomAD exomes 0.00006.
gnomAD v4.1: 86 of 1,613,920 alleles (0.0053%); highest among the groups gnomAD compares: Non-Finnish European, 0.0071%; no homozygotes.

Submission:

Labcorp Genetics (formerly Invitae), Labcorp
Classification: Uncertain significance. Last evaluated: 2023-07-14. Review status: criteria provided, single submitter. Criteria: Invitae Variant Classification Sherloc (09022015). Collection method: clinical testing. Allele origin: germline.
Comment: This sequence change replaces threonine, which is neutral and polar, with alanine, which is neutral and non-polar, at codon 367 of the ARHGAP31 protein (p.Thr367Ala). This variant is present in population databases (rs202189188, gnomAD 0.006%). In summary, the available evidence is currently insufficient to determine the role of this variant in disease. Therefore, it has been classified as a Variant of Uncertain Significance. Algorithms developed to predict the effect of missense changes on protein structure and function output the following: SIFT: "Not Available"; PolyPhen-2: "Benign"; Align-GVGD: "Not Available". The alanine amino acid residue is found in multiple mammalian species, which suggests that this missense change does not adversely affect protein function. This variant has not been reported in the literature in individuals affected with ARHGAP31-related conditions.